The following is an entry in ClinVar:

ClinVar aggregate classification (germline): Uncertain significance. Review status: criteria provided, multiple submitters, no conflicts (2 of 4 stars). 2 submissions from 2 submitters: Uncertain significance (2). Last evaluated 2024-06-19.

Allele frequency attached by ClinVar (database versions not stated): TOPMed below 0.00001; ExAC 0.00001; gnomAD 0.00001; gnomAD exomes 0.00001 and 0.00002.
gnomAD v4.1: 24 of 1,614,050 alleles (0.0015%); highest among the groups gnomAD compares: South Asian, 0.023%; no homozygotes.

Submissions (2):

Ambry Genetics
Classification: Uncertain significance. Last evaluated: 2024-06-19. Review status: criteria provided, single submitter. Criteria: Ambry Variant Classification Scheme 2023. Collection method: clinical testing. Allele origin: germline.
Comment: The p.I388T variant (also known as c.1163T>C), located in coding exon 9 of the RINT1 gene, results from a T to C substitution at nucleotide position 1163. The isoleucine at codon 388 is replaced by threonine, an amino acid with similar properties. This amino acid position is conserved. In addition, the in silico prediction for this alteration is inconclusive. Since supporting evidence is limited at this time, the clinical significance of this alteration remains unclear.

Labcorp Genetics (formerly Invitae), Labcorp
Classification: Uncertain significance. Last evaluated: 2022-08-23. Review status: criteria provided, single submitter. Criteria: Invitae Variant Classification Sherloc (09022015). Collection method: clinical testing. Allele origin: germline.
Comment: Algorithms developed to predict the effect of missense changes on protein structure and function are either unavailable or do not agree on the potential impact of this missense change (SIFT: "Deleterious"; PolyPhen-2: "Benign"; Align-GVGD: "Class C0"). This sequence change replaces isoleucine, which is neutral and non-polar, with threonine, which is neutral and polar, at codon 388 of the RINT1 protein (p.Ile388Thr). This variant is present in population databases (rs749707534, gnomAD 0.01%). This variant has not been reported in the literature in individuals affected with RINT1-related conditions. ClinVar contains an entry for this variant (Variation ID: 1486250). In summary, the available evidence is currently insufficient to determine the role of this variant in disease. Therefore, it has been classified as a Variant of Uncertain Significance.

NM_021930.6(RINT1):c.1163T>C (p.Ile388Thr)

Gene: RINT1 (RAD50 interactor 1; plus strand). Cytogenetic location: 7q22.3.
Variant type: single nucleotide variant.
Coding change: c.1163T>C on transcript NM_021930.6 (MANE Select); coding-DNA position 1163, T replaced by C.
Protein change: p.Ile388Thr; replaces isoleucine 388 with threonine.
Molecular consequence: missense variant. On other transcripts: non-coding transcript variant (1).
Genome position (GRCh38, 1-based): chr7:105,550,316, T>C. VCF-style: chr7-105550316-T-C. GRCh37 (hg19) VCF-style: chr7-105190763-T-C.
Other names: c.929T>C, p.Ile310Thr (NM_001346599.2); c.140T>C, p.Ile47Thr (NM_001346600.2, NM_001346603.2); c.239T>C, p.Ile80Thr (NM_001346601.2); short protein forms I388T, I47T, I310T, I80T.
Identifiers: ClinVar variation 1486250 (VCV001486250.11), dbSNP rs749707534, ClinGen allele CA4426616.
Genomic context (GRCh38, chr7:105,550,316, plus strand): 5'-TTTAGCTTGAATTTTCTCGGGGCCTTATGATGCTGGTTCTTGAGAAGTTAGCCACTGATA[T>C]TCCTTGTCTGCTATATGATGACAATCTCTTCTGTCATTTGGTGGATGAAGTACTCTTGTT-3'
Protein context (NP_068749.3, residues 378-398): MLVLEKLATD[Ile388Thr]PCLLYDDNLF